The following is an entry in ClinVar:

ClinVar aggregate classification (germline): Pathogenic (1 of 4 stars; one submission).

Conditions:
PKD1-Biallelic Autosomal Recessive Polycystic Kidney Disease.

Submission:

Women's Health and Genetics/Laboratory Corporation of America, LabCorp
Classification: Pathogenic for PKD1-Biallelic Autosomal Recessive Polycystic Kidney Disease. Last evaluated: 2025-03-14. Review status: criteria provided, single submitter. Criteria: LabCorp Variant Classification Summary - May 2015. Collection method: clinical testing. Allele origin: germline.
Comment: Variant summary: PKD1 c.2900G>A (p.Trp967X) results in a premature termination codon, predicted to cause a truncation of the encoded protein or absence of the protein due to nonsense mediated decay, which are commonly known mechanisms for disease. The variant was absent in 205310 control chromosomes. c.2900G>A has been reported in the literature in a fetus affected with PKD1-Autosomal Dominant Polycystic Kidney Disease (Liu_2022). To our knowledge, no experimental evidence demonstrating an impact on protein function has been reported. The following publication have been ascertained in the context of this evaluation (PMID: 35478332). No submitters have cited clinical-significance assessments for this variant to ClinVar. Based on the evidence outlined above, the variant was classified as pathogenic.

Literature cited by the submitters: PubMed 35478332.

NM_001009944.3(PKD1):c.2900G>A (p.Trp967Ter)

Gene: PKD1 (polycystin 1, transient receptor potential channel interacting; minus strand). Cytogenetic location: 16p13.3.
Variant type: single nucleotide variant.
Coding change: c.2900G>A on transcript NM_001009944.3 (MANE Select); coding-DNA position 2900, G replaced by A.
Protein change: p.Trp967Ter; replaces tryptophan 967 with a stop codon.
Molecular consequence: nonsense.
Genome position (GRCh38, 1-based): chr16:2,113,246, C>T on the plus strand (G>A on the coding strand, the complement: PKD1 is on the minus strand). VCF-style: chr16-2113246-C-T. GRCh37 (hg19) VCF-style: chr16-2163247-C-T.
Other names: c.2900G>A, p.Trp967Ter (NM_000296.4); short protein forms W967*.
Identifiers: ClinVar variation 3895641 (VCV003895641.1).
Genomic context (GRCh38, chr16:2,113,246, plus strand): 5'-TGATAAATGACATTGAAGACCACGTTCTGGAAGGTCAGGGACTGCTTGTCGTTGATGGTC[C>T]ACCGGAAGACCATGTCCGAGCCGGCCTCCACCACGGGGCTGTACCTCTGCGGGGGGAATG-3'